The following is an entry in ClinVar:

NM_001267550.2(TTN):c.30835G>A (p.Glu10279Lys)

Gene: TTN (titin; minus strand). Cytogenetic location: 2q31.2.
Variant type: single nucleotide variant.
Coding change: c.30835G>A on transcript NM_001267550.2 (MANE Select); coding-DNA position 30835, G replaced by A.
Protein change: p.Glu10279Lys; replaces glutamic acid 10279 with lysine.
Molecular consequence: missense variant. On other transcripts: intron variant (3).
Genome position (GRCh38, 1-based): chr2:178,696,237, C>T on the plus strand (G>A on the coding strand, the complement: TTN is on the minus strand). VCF-style: chr2-178696237-C-T. GRCh37 (hg19) VCF-style: chr2-179560964-C-T.
Other names: c.29884G>A, p.Glu9962Lys (NM_001256850.1); c.27103G>A, p.Glu9035Lys (NM_133378.4); c.13282+41845G>A (NM_003319.4); c.13858+41845G>A (NM_133437.4); c.13657+41845G>A (NM_133432.3); short protein forms E10279K, E9035K, E9962K.
Identifiers: ClinVar variation 594264 (VCV000594264.7), dbSNP rs1387185323, ClinGen allele CA349566431.

ClinVar aggregate classification (germline): Uncertain significance. Review status: criteria provided, multiple submitters, no conflicts (2 of 4 stars). 3 submissions from 3 submitters: Uncertain significance (3). Last evaluated 2026-07-02.

Conditions:
TTN-related disorder. Also called: TTN-related condition; TTN-related disease; TTN-related disorders.

Allele frequency attached by ClinVar (database versions not stated): TOPMed below 0.00001; gnomAD exomes 0.00001.
gnomAD v4.1: 9 of 1,561,180 alleles (0.00058%); highest among the groups gnomAD compares: Middle Eastern, 0.017%; no homozygotes.

Submissions (3):

PreventionGenetics, part of Exact Sciences
Classification: Uncertain significance for TTN-related condition. Last evaluated: 2026-07-02. Review status: criteria provided, single submitter. Criteria: ACMG Guidelines, 2015. Collection method: clinical testing. Allele origin: germline.
Comment: The TTN c.30835G>A variant is predicted to result in the amino acid substitution p.Glu10279Lys. To our knowledge, this variant has not been reported in the literature. This variant is reported in 0.0013% of alleles in individuals of European (Non-Finnish) descent in gnomAD. At this time, the clinical significance of this variant is uncertain due to the absence of conclusive functional and genetic evidence.

Women's Health and Genetics/Laboratory Corporation of America, LabCorp
Classification: Uncertain significance. Last evaluated: 2025-02-24. Review status: criteria provided, single submitter. Criteria: LabCorp Variant Classification Summary - May 2015. Collection method: clinical testing. Allele origin: germline.

Eurofins Ntd Llc (ga)
Classification: Uncertain significance. Last evaluated: 2017-09-30. Review status: criteria provided, single submitter. Criteria: EGL Classification Definitions 2015. Collection method: clinical testing. Allele origin: germline. Observed: 1 variant allele, 1 heterozygote.